The following is an entry in ClinVar:

ClinVar aggregate classification (germline): Uncertain significance (1 of 4 stars; one submission).

Submission:

Women's Health and Genetics/Laboratory Corporation of America, LabCorp
Classification: Uncertain significance. Last evaluated: 2023-07-19. Review status: criteria provided, single submitter. Criteria: LabCorp Variant Classification Summary - May 2015. Collection method: clinical testing. Allele origin: germline.
Comment: Variant summary: CFTR c.1119T>G (p.Asp373Glu) results in a conservative amino acid change in the encoded protein sequence. Four of five in-silico tools predict a benign effect of the variant on protein function. Computational tools predict no significant impact on normal splicing. However, these predictions have yet to be confirmed by functional studies. The variant was absent in 249622 control chromosomes (gnomAD). The available data on variant occurrences in the general population are insufficient to allow any conclusion about variant significance. To our knowledge, no occurrence of c.1119T>G in individuals affected with Cystic Fibrosis and no experimental evidence demonstrating its impact on protein function have been reported. No submitters have cited clinical-significance assessments for this variant to ClinVar after 2014. Based on the evidence outlined above, the variant was classified as uncertain significance.

NM_000492.4(CFTR):c.1119T>G (p.Asp373Glu)

Gene: CFTR (CF transmembrane conductance regulator; plus strand). Cytogenetic location: 7q31.2.
Variant type: single nucleotide variant.
Coding change: c.1119T>G on transcript NM_000492.4 (MANE Select); coding-DNA position 1119, T replaced by G.
Protein change: p.Asp373Glu; replaces aspartic acid 373 with glutamic acid.
Molecular consequence: missense variant.
Genome position (GRCh38, 1-based): chr7:117,542,018, T>G. VCF-style: chr7-117542018-T-G. GRCh37 (hg19) VCF-style: chr7-117182072-T-G.
Other names: short protein forms D373E.
Identifiers: ClinVar variation 2577300 (VCV002577300.1), dbSNP rs2485030125, ClinGen allele CA368979773.